The following is an entry in ClinVar:

NM_001355436.2(SPTB):c.338T>C (p.Leu113Pro)

Gene: SPTB (spectrin beta, erythrocytic; minus strand). Cytogenetic location: 14q23.3.
Variant type: single nucleotide variant.
Coding change: c.338T>C on transcript NM_001355436.2 (MANE Select); coding-DNA position 338, T replaced by C.
Protein change: p.Leu113Pro; replaces leucine 113 with proline.
Molecular consequence: missense variant.
Genome position (GRCh38, 1-based): chr14:64,803,743, A>G on the plus strand (T>C on the coding strand, the complement: SPTB is on the minus strand). VCF-style: chr14-64803743-A-G. GRCh37 (hg19) VCF-style: chr14-65270461-A-G.
Other names: c.338T>C, p.Leu113Pro (NM_001024858.4, NM_001355437.2); short protein forms L113P.
Identifiers: ClinVar variation 2072476 (VCV002072476.4), dbSNP rs2503220722, ClinGen allele CA390035120.

ClinVar aggregate classification (germline): Uncertain significance (1 of 4 stars; one submission).

Submission:

Labcorp Genetics (formerly Invitae), Labcorp
Classification: Uncertain significance. Last evaluated: 2022-01-03. Review status: criteria provided, single submitter. Criteria: Invitae Variant Classification Sherloc (09022015). Collection method: clinical testing. Allele origin: germline.
Comment: In summary, the available evidence is currently insufficient to determine the role of this variant in disease. Therefore, it has been classified as a Variant of Uncertain Significance. Algorithms developed to predict the effect of missense changes on protein structure and function (SIFT, PolyPhen-2, Align-GVGD) all suggest that this variant is likely to be disruptive. This variant has not been reported in the literature in individuals affected with SPTB-related conditions. This variant is not present in population databases (gnomAD no frequency). This sequence change replaces leucine, which is neutral and non-polar, with proline, which is neutral and non-polar, at codon 113 of the SPTB protein (p.Leu113Pro).